The following is an entry in ClinVar:

ClinVar aggregate classification (germline): Benign/Likely benign. Review status: criteria provided, multiple submitters, no conflicts (2 of 4 stars). 9 submissions from 9 submitters: Benign (2); Likely benign (4). 3 of the submissions do not count toward it. Last evaluated 2026-01-26.

Conditions:
CUBN-related disorder. Also called: CUBN-related condition.
Imerslund-Grasbeck syndrome type 1 (IGS1). Also called: MEGALOBLASTIC ANEMIA, 1; Imerslund-Gräsbeck syndrome 1; Megaloblastic anemia 1, Finnish type. Identifiers: MedGen C4016819, MONDO:0100156, OMIM 261100.
Imerslund-Grasbeck syndrome. Also called: Megaloblastic anemia due to inborn errors of metabolism; Imerslund-Gräsbeck syndrome; ENTEROCYTE COBALAMIN MALABSORPTION; ENTEROCYTE INTRINSIC FACTOR RECEPTOR, DEFECT OF; PERNICIOUS ANEMIA, JUVENILE, DUE TO SELECTIVE INTESTINAL MALABSORPTION OF VITAMIN B12, WITH PROTEINURIA. Identifiers: Orphanet 35858, MedGen C4551825, MONDO:0009853.

Allele frequency attached by ClinVar (database versions not stated): gnomAD exomes 0.00153 and 0.00238; ExAC 0.00239; 1000 Genomes Project 0.00260; 1000 Genomes Project 30x 0.00312; ESP Exome Variant Server 0.00354; gnomAD 0.00363; TOPMed 0.00438.
gnomAD v4.1: 2,986 of 1,613,888 alleles (0.19%); highest among the groups gnomAD compares: African/African-American, 1%; 22 homozygotes.

Submissions (11):

Labcorp Genetics (formerly Invitae), Labcorp
Classification: Benign for Imerslund-Grasbeck syndrome. Last evaluated: 2026-01-26. Review status: criteria provided, single submitter. Criteria: Invitae Variant Classification Sherloc (09022015). Collection method: clinical testing. Allele origin: germline.

ARUP Laboratories, Molecular Genetics and Genomics, ARUP Laboratories
Classification: Benign. Last evaluated: 2024-08-13. Review status: criteria provided, single submitter. Criteria: ARUP Molecular Germline Variant Investigation Process 2024. Collection method: clinical testing. Allele origin: germline.

CeGaT Center for Human Genetics Tuebingen
Classification: Likely benign. Last evaluated: 2023-02-01. Review status: criteria provided, single submitter. Criteria: CeGaT Center For Human Genetics Tuebingen Variant Classification Criteria Version 2. Collection method: clinical testing. Allele origin: germline. Affected: yes. Observed: 4 variant alleles.
Comment: CUBN: BP4, BP7, BS2

GeneDx
Classification: Likely benign. Last evaluated: 2020-06-25. Review status: criteria provided, single submitter. Criteria: GeneDx Variant Classification Process June 2021. Collection method: clinical testing. Allele origin: germline. Affected: yes.

Illumina Laboratory Services, Illumina
Classification: Likely benign for Imerslund-Grasbeck syndrome type 1. Last evaluated: 2018-01-13. Review status: criteria provided, single submitter. Criteria: ICSL Variant Classification Criteria 13 December 2019. Collection method: clinical testing. Allele origin: germline.
Comment: This variant was observed in the ICSL laboratory as part of a predisposition screen in an ostensibly healthy population. It had not been previously curated by ICSL or reported in the Human Gene Mutation Database (HGMD: prior to June 1st, 2018), and was therefore a candidate for classification through an automated scoring system. Utilizing variant allele frequency, disease prevalence and penetrance estimates, and inheritance mode, an automated score was calculated to assess if this variant is too frequent to cause the disease. Based on the score and internal cut-off values, a variant classified as likely benign is not then subjected to further curation. The score for this variant resulted in a classification of likely benign for this disease.

Breakthrough Genomics
Classification: Likely benign. Review status: criteria provided, single submitter. Criteria: ACMG Guidelines, 2015. Collection method: not provided. Allele origin: germline. Inheritance: Autosomal recessive inheritance. Affected: yes.

PreventionGenetics, part of Exact Sciences
Classification: Benign for CUBN-related condition. Last evaluated: 2020-06-23. Review status: no assertion criteria provided. Collection method: clinical testing. Allele origin: germline. Not counted in ClinVar's aggregate classification.
Comment: This variant is classified as benign based on ACMG/AMP sequence variant interpretation guidelines (Richards et al. 2015 PMID: 25741868, with internal and published modifications).

Clinical Genetics DNA and cytogenetics Diagnostics Lab, Erasmus MC, Erasmus Medical Center
Classification: Benign. Review status: no assertion criteria provided. Collection method: clinical testing. Allele origin: germline. Affected: yes. Study: VKGL Data-share Consensus. Not counted in ClinVar's aggregate classification.

Dr. Peter K. Rogan Lab, Western University
No classification provided (evidence only). Condition: Clear cell carcinoma of kidney. Review status: no classification provided. Collection method: in vitro. Allele origin: not applicable. Functional consequence: skipped exon. Not counted in ClinVar's aggregate classification.

Dr. Peter K. Rogan Lab, Western University
No classification provided (evidence only). Condition: Uterine corpus endometrial carcinoma. Review status: no classification provided. Collection method: in vitro. Allele origin: not applicable. Functional consequence: retained intron. Not counted in ClinVar's aggregate classification.

Genome Diagnostics Laboratory, University Medical Center Utrecht
Classification: Benign. Review status: no assertion criteria provided. Collection method: clinical testing. Allele origin: germline. Affected: yes. Study: VKGL Data-share Consensus. Not counted in ClinVar's aggregate classification.

NM_001081.4(CUBN):c.10383C>T (p.Ser3461=)

Gene: CUBN (cubilin; minus strand). Cytogenetic location: 10p13.
Variant type: single nucleotide variant.
Coding change: c.10383C>T on transcript NM_001081.4 (MANE Select); coding-DNA position 10383, C replaced by T.
Protein change: p.Ser3461=; no amino-acid change (serine 3461 retained).
Molecular consequence: synonymous variant.
Genome position (GRCh38, 1-based): chr10:16,831,397, G>A on the plus strand (C>T on the coding strand, the complement: CUBN is on the minus strand). VCF-style: chr10-16831397-G-A. GRCh37 (hg19) VCF-style: chr10-16873396-G-A.
Identifiers: ClinVar variation 299360 (VCV000299360.47), dbSNP rs141937843, ClinGen allele CA5422384.